The following is an entry in ClinVar:

NM_201384.3(PLEC):c.4558C>T (p.Arg1520Cys)

Gene: PLEC (plectin; minus strand). Cytogenetic location: 8q24.3.
Variant type: single nucleotide variant.
Coding change: c.4558C>T on transcript NM_201384.3 (MANE Select); coding-DNA position 4558, C replaced by T.
Protein change: p.Arg1520Cys; replaces arginine 1520 with cysteine.
Molecular consequence: missense variant.
Genome position (GRCh38, 1-based): chr8:143,925,371, G>A on the plus strand (C>T on the coding strand, the complement: PLEC is on the minus strand). VCF-style: chr8-143925371-G-A. GRCh37 (hg19) VCF-style: chr8-144999539-G-A.
Other names: c.4639C>T, p.Arg1547Cys (NM_000445.5); c.4516C>T, p.Arg1506Cys (NM_201378.4); c.4492C>T, p.Arg1498Cys (NM_201379.3); c.4969C>T, p.Arg1657Cys (NM_201380.4); c.4462C>T, p.Arg1488Cys (NM_201381.3); c.4558C>T, p.Arg1520Cys (NM_201382.4); c.4570C>T, p.Arg1524Cys (NM_201383.3); c.4639C>T (NM_000445.3); short protein forms R1488C, R1498C, R1506C, R1520C, R1524C, R1547C, R1657C.
Identifiers: ClinVar variation 1017765 (VCV001017765.6), dbSNP rs782141520, ClinGen allele CA4926623.

ClinVar aggregate classification (germline): Uncertain significance. Review status: criteria provided, multiple submitters, no conflicts (2 of 4 stars). 2 submissions from 2 submitters: Uncertain significance (2). Last evaluated 2025-10-14.

Conditions:
Epidermolysis bullosa simplex 5B, with muscular dystrophy (EBS5B). Also called: EPIDERMOLYSIS BULLOSA SIMPLEX AND LIMB-GIRDLE MUSCULAR DYSTROPHY; Epidermolysis bullosa simplex with muscular dystrophy. Identifiers: Orphanet 257, MedGen C2931072, MONDO:0009181, OMIM 226670.
Epidermolysis bullosa simplex, Ogna type (EBS5A). Also called: EPIDERMOLYSIS BULLOSA SIMPLEX 5A, OGNA TYPE; Pidermolysis bullosa simplex 5A, Ogna type. Identifiers: Orphanet 79401, MedGen C0432317, MONDO:0007555, OMIM 131950.
Epidermolysis bullosa simplex 5C, with pyloric atresia (EBS5C). Also called: Epidermolysis bullosa simplex with pyloric atresia; PLEC-Related Epidermolysis Bullosa with Pyloric Atresia; PLEC1-Related Epidermolysis Bullosa with Pyloric Atresia. Identifiers: Orphanet 158684, MedGen C2677349, MONDO:0012807, OMIM 612138.
Autosomal recessive limb-girdle muscular dystrophy type 2Q (LGMDR17). Also called: MUSCULAR DYSTROPHY, LIMB-GIRDLE, AUTOSOMAL RECESSIVE 17. Identifiers: Orphanet 254361, MedGen C3150989, MONDO:0013390, OMIM 613723.
Epidermolysis bullosa simplex with nail dystrophy (EBS5D). Identifiers: MedGen C4225309, MONDO:0014661, OMIM 616487.
Inborn genetic diseases. Identifiers: MedGen C0950123, MeSH D030342.

Allele frequency attached by ClinVar (database versions not stated): ExAC below 0.00001; gnomAD 0.00001; gnomAD exomes 0.00001 and 0.00003; TOPMed 0.00003.
gnomAD v4.1: 38 of 1,563,446 alleles (0.0024%); highest among the groups gnomAD compares: Non-Finnish European, 0.0031%; no homozygotes.

Submissions (2):

Labcorp Genetics (formerly Invitae), Labcorp
Classification: Uncertain significance for Autosomal recessive limb-girdle muscular dystrophy type 2Q; Epidermolysis bullosa simplex, Ogna type; Epidermolysis bullosa simplex with nail dystrophy; Epidermolysis bullosa simplex 5C, with pyloric atresia; Epidermolysis bullosa simplex 5B, with muscular dystrophy. Last evaluated: 2025-10-14. Review status: criteria provided, single submitter. Criteria: Invitae Variant Classification Sherloc (09022015). Collection method: clinical testing. Allele origin: germline.
Comment: This sequence change replaces arginine, which is basic and polar, with cysteine, which is neutral and slightly polar, at codon 1547 of the PLEC protein (p.Arg1547Cys). This variant is present in population databases (rs782141520, gnomAD 0.004%). This variant has not been reported in the literature in individuals affected with PLEC-related conditions. ClinVar contains an entry for this variant (Variation ID: 1017765). Experimental studies and prediction algorithms are not available or were not evaluated, and the functional significance of this variant is currently unknown. In summary, the available evidence is currently insufficient to determine the role of this variant in disease. Therefore, it has been classified as a Variant of Uncertain Significance.

Ambry Genetics
Classification: Uncertain significance for Inborn genetic diseases. Last evaluated: 2024-04-20. Review status: criteria provided, single submitter. Criteria: Ambry Variant Classification Scheme 2023. Collection method: clinical testing. Allele origin: germline.